The following is an entry in ClinVar:

NM_001329943.3(KIAA0586):c.1393C>T (p.Pro465Ser)

Gene: KIAA0586 (KIAA0586; plus strand). Cytogenetic location: 14q23.1.
Variant type: single nucleotide variant.
Coding change: c.1393C>T on transcript NM_001329943.3 (MANE Select); coding-DNA position 1393, C replaced by T.
Protein change: p.Pro465Ser; replaces proline 465 with serine.
Molecular consequence: missense variant.
Genome position (GRCh38, 1-based): chr14:58,457,789, C>T. VCF-style: chr14-58457789-C-T. GRCh37 (hg19) VCF-style: chr14-58924507-C-T.
Other names: c.1393C>T (NM_014749.3); c.1552C>T, p.Pro518Ser (NM_001244189.2); c.1348C>T, p.Pro450Ser (NM_001244190.2); c.1138C>T, p.Pro380Ser (NM_001244191.2, NM_001329945.2, NM_001364700.1 and 1 more transcripts); c.1261C>T, p.Pro421Ser (NM_001244192.2); c.973C>T, p.Pro325Ser (NM_001244193.2); c.1393C>T, p.Pro465Ser (NM_001329944.2, NM_001329946.2, NM_001329947.2 and 1 more transcripts); short protein forms P325S, P450S, P518S, P465S, P380S, P421S.
Identifiers: ClinVar variation 1035545 (VCV001035545.10), dbSNP rs376681702, ClinGen allele CA7205650.
Genomic context (GRCh38, chr14:58,457,789, plus strand): 5'-AGTAACTTTCTGGTCTTTTTTTCTTTTAAGCCAAAAGAATCTCTGAGTATGTTGAAGCTT[C>T]CAGATCTTCCACAGAATTCTGTTAAGCTTCAAACAACCAATACAACAAGATCTGTATTGA-3'
Protein context (NP_001316872.1, residues 455-475): PKESLSMLKL[Pro465Ser]DLPQNSVKLQ

ClinVar aggregate classification (germline): Conflicting classifications of pathogenicity. Review status: criteria provided, conflicting classifications (1 of 4 stars). 4 submissions from 4 submitters: Uncertain significance (3); Likely benign (1). Last evaluated 2025-04-28.

Conditions:
Short-rib thoracic dysplasia 14 with polydactyly (SRTD14). Identifiers: Orphanet 397715, MedGen C4225286, MONDO:0014688, OMIM 616546.
Joubert syndrome 23 (JBTS23). Identifiers: Orphanet 475, MedGen C4084822, MONDO:0014664, OMIM 616490.
Inborn genetic diseases. Identifiers: MedGen C0950123, MeSH D030342.

Allele frequency attached by ClinVar (database versions not stated): gnomAD exomes 0.00008 and 0.00014; gnomAD 0.00009 and 0.00011; ExAC 0.00010; TOPMed 0.00011; ESP Exome Variant Server 0.00017.
gnomAD v4.1: 215 of 1,603,560 alleles (0.013%); highest among the groups gnomAD compares: Admixed American, 0.029%; no homozygotes.

Submissions (4):

Labcorp Genetics (formerly Invitae), Labcorp
Classification: Uncertain significance for Joubert syndrome 23; Short-rib thoracic dysplasia 14 with polydactyly. Last evaluated: 2025-04-28. Review status: criteria provided, single submitter. Criteria: Invitae Variant Classification Sherloc (09022015). Collection method: clinical testing. Allele origin: germline.
Comment: This sequence change replaces proline, which is neutral and non-polar, with serine, which is neutral and polar, at codon 518 of the KIAA0586 protein (p.Pro518Ser). This variant is present in population databases (rs376681702, gnomAD 0.01%). This variant has not been reported in the literature in individuals affected with KIAA0586-related conditions. ClinVar contains an entry for this variant (Variation ID: 1035545). Invitae Evidence Modeling of protein sequence and biophysical properties (such as structural, functional, and spatial information, amino acid conservation, physicochemical variation, residue mobility, and thermodynamic stability) indicates that this missense variant is not expected to disrupt KIAA0586 protein function with a negative predictive value of 80%. In summary, the available evidence is currently insufficient to determine the role of this variant in disease. Therefore, it has been classified as a Variant of Uncertain Significance.

Ambry Genetics
Classification: Uncertain significance for Inborn genetic diseases. Last evaluated: 2025-01-24. Review status: criteria provided, single submitter. Criteria: Ambry Variant Classification Scheme 2023. Collection method: clinical testing. Allele origin: germline.

Blueprint Genetics
Classification: Likely benign. Last evaluated: 2024-10-10. Review status: criteria provided, single submitter. Criteria: ACMG Guidelines, 2015. Collection method: clinical testing. Allele origin: germline.

GeneDx
Classification: Uncertain significance. Last evaluated: 2024-09-22. Review status: criteria provided, single submitter. Criteria: GeneDx Variant Classification Process June 2021. Collection method: clinical testing. Allele origin: germline.
Comment: In silico analysis indicates that this missense variant does not alter protein structure/function; Has not been previously published as pathogenic or benign to our knowledge